The following is an entry in ClinVar:

NM_003998.4(NFKB1):c.219C>T (p.Ala73=)

Gene: NFKB1 (nuclear factor kappa B subunit 1; plus strand). Cytogenetic location: 4q24.
Variant type: single nucleotide variant.
Coding change: c.219C>T on transcript NM_003998.4 (MANE Select); coding-DNA position 219, C replaced by T.
Protein change: p.Ala73=; no amino-acid change (alanine 73 retained).
Molecular consequence: synonymous variant.
Genome position (GRCh38, 1-based): chr4:102,537,917, C>T. VCF-style: chr4-102537917-C-T. GRCh37 (hg19) VCF-style: chr4-103459074-C-T.
Other names: c.216C>T, p.Ala72= (NM_001165412.2, NM_001319226.2).
Identifiers: ClinVar variation 733885 (VCV000733885.14), dbSNP rs4648003, ClinGen allele CA3025831.

ClinVar aggregate classification (germline): Likely benign. Review status: criteria provided, multiple submitters, no conflicts (2 of 4 stars). 4 submissions from 4 submitters: Likely benign (4). Last evaluated 2026-05-01.

Allele frequency attached by ClinVar (database versions not stated): gnomAD exomes 0.00007 and 0.00014; ExAC 0.00016; ESP Exome Variant Server 0.00046; gnomAD 0.00049; TOPMed 0.00052; 1000 Genomes Project 0.00060; 1000 Genomes Project 30x 0.00078.
gnomAD v4.1: 178 of 1,612,494 alleles (0.011%); highest among the groups gnomAD compares: African/African-American, 0.12%; 1 homozygote.

Submissions (4):

CeGaT Center for Human Genetics Tuebingen
Classification: Likely benign. Last evaluated: 2026-05-01. Review status: criteria provided, single submitter. Criteria: CeGaT Center For Human Genetics Tuebingen Variant Classification Criteria Version 2. Collection method: clinical testing. Allele origin: germline. Affected: yes. Observed: 1 variant allele.
Comment: NFKB1: BP4, BP7

Labcorp Genetics (formerly Invitae), Labcorp
Classification: Likely benign. Last evaluated: 2026-02-01. Review status: criteria provided, single submitter. Criteria: Invitae Variant Classification Sherloc (09022015). Collection method: clinical testing. Allele origin: germline.

Blueprint Genetics
Classification: Likely benign. Last evaluated: 2024-10-02. Review status: criteria provided, single submitter. Criteria: ACMG Guidelines, 2015. Collection method: clinical testing. Allele origin: germline.

Breakthrough Genomics
Classification: Likely benign. Review status: criteria provided, single submitter. Criteria: ACMG Guidelines, 2015. Collection method: not provided. Allele origin: germline. Inheritance: Autosomal dominant inheritance. Affected: yes.